The following is an entry in ClinVar:

ClinVar aggregate classification (germline): Uncertain significance. Review status: criteria provided, multiple submitters, no conflicts (2 of 4 stars). 2 submissions from 2 submitters: Uncertain significance (2). Last evaluated 2025-10-26.

Conditions:
Diamond-Blackfan anemia 6 (DBA6). Also called: RPL5-Related Diamond-Blackfan Anemia. Identifiers: Orphanet 124, MedGen C2931850, MONDO:0012937, OMIM 612561.
Diamond-Blackfan anemia. Also called: Blackfan Diamond syndrome; Aregenerative anemia chronic congenital; Red cell aplasia, pure hereditary; Congenital hypoplastic anemia; Aase syndrome. Identifiers: Orphanet 124, MedGen C1260899, MeSH D029503, MONDO:0015253, HP:0004810.

Allele frequency attached by ClinVar (database versions not stated): gnomAD exomes below 0.00001; ExAC 0.00001.
gnomAD v4.1: 2 of 1,614,054 alleles (0.00012%); highest among the groups gnomAD compares: Non-Finnish European, 0.00017%; no homozygotes.

Submissions (2):

Labcorp Genetics (formerly Invitae), Labcorp
Classification: Uncertain significance for Diamond-Blackfan anemia. Last evaluated: 2025-10-26. Review status: criteria provided, single submitter. Criteria: Invitae Variant Classification Sherloc (09022015). Collection method: clinical testing. Allele origin: germline.
Comment: This sequence change replaces proline, which is neutral and non-polar, with serine, which is neutral and polar, at codon 139 of the RPL5 protein (p.Pro139Ser). This variant is present in population databases (rs770863952, gnomAD 0.0009%). This variant has not been reported in the literature in individuals affected with RPL5-related conditions. ClinVar contains an entry for this variant (Variation ID: 2973960). Invitae Evidence Modeling of protein sequence and biophysical properties (such as structural, functional, and spatial information, amino acid conservation, physicochemical variation, residue mobility, and thermodynamic stability) indicates that this missense variant is not expected to disrupt RPL5 protein function with a negative predictive value of 80%. In summary, the available evidence is currently insufficient to determine the role of this variant in disease. Therefore, it has been classified as a Variant of Uncertain Significance.

Revvity Omics, Revvity
Classification: Uncertain significance for Diamond-Blackfan anemia 6. Last evaluated: 2024-02-18. Review status: criteria provided, single submitter. Criteria: ACMG Guidelines, 2015. Collection method: clinical testing. Allele origin: germline.

NM_000969.5(RPL5):c.415C>T (p.Pro139Ser)

Genes: DIPK1A (divergent protein kinase domain 1A; minus strand), RPL5 (ribosomal protein L5; plus strand). Cytogenetic location: 1p22.1.
Variant type: single nucleotide variant.
Coding change: c.415C>T on transcript NM_000969.5 (MANE Select); coding-DNA position 415, C replaced by T.
Protein change: p.Pro139Ser; replaces proline 139 with serine.
Molecular consequence: missense variant. On other transcripts: non-coding transcript variant (1), intron variant (1).
Genome position (GRCh38, 1-based): chr1:92,836,280, C>T. VCF-style: chr1-92836280-C-T. GRCh37 (hg19) VCF-style: chr1-93301837-C-T.
Other names: c.475-3246G>A (NM_001252273.2); short protein forms P139S.
Identifiers: ClinVar variation 2973960 (VCV002973960.4), dbSNP rs770863952, ClinGen allele CA952462.